The following is an entry in ClinVar:

NM_017617.5(NOTCH1):c.1255+15_1255+16del

Gene: NOTCH1 (notch receptor 1; minus strand). Cytogenetic location: 9q34.3.
Variant type: Deletion.
Coding change: c.1255+15_1255+16del on transcript NM_017617.5 (MANE Select); bases 15 to 16 of the intron after coding-DNA position 1255, 2 bases deleted (AG; older notation c.1255+15_1255+16delAG).
Molecular consequence: intron variant.
Genome position (GRCh38, 1-based): chr9:136,518,121-136,518,122, CT deleted on the plus strand (AG on the coding strand, the reverse complement: NOTCH1 is on the minus strand). VCF-style (leftmost placement, unchanged base first): chr9-136518120-CCT-C. GRCh37 (hg19) VCF-style: chr9-139412572-CCT-C.
Identifiers: ClinVar variation 669344 (VCV000669344.3), dbSNP rs775945192, ClinGen allele CA5341871.

ClinVar aggregate classification (germline): Likely benign. Review status: criteria provided, multiple submitters, no conflicts (2 of 4 stars). 2 submissions from 2 submitters: Likely benign (2). Last evaluated 2025-08-03.

Conditions:
Adams-Oliver syndrome 5 (AOS5). Identifiers: Orphanet 974, MedGen C4014970, MONDO:0014459, OMIM 616028.

Allele frequency attached by ClinVar (database versions not stated): gnomAD 0.00001; TOPMed 0.00001; ExAC below 0.00001; gnomAD exomes 0.00003.

Submissions (2):

Labcorp Genetics (formerly Invitae), Labcorp
Classification: Likely benign for Adams-Oliver syndrome 5. Last evaluated: 2025-08-03. Review status: criteria provided, single submitter. Criteria: Invitae Variant Classification Sherloc (09022015). Collection method: clinical testing. Allele origin: germline.

GeneDx
Classification: Likely benign. Last evaluated: 2018-06-05. Review status: criteria provided, single submitter. Criteria: GeneDx Variant Classification (06012015). Collection method: clinical testing. Allele origin: germline. Affected: yes.
Comment: This variant is considered likely benign or benign based on one or more of the following criteria: it is a conservative change, it occurs at a poorly conserved position in the protein, it is predicted to be benign by multiple in silico algorithms, and/or has population frequency not consistent with disease.